The following is an entry in ClinVar:

NM_001042492.3(NF1):c.3975-1G>T

Gene: NF1 (neurofibromin 1; plus strand). Cytogenetic location: 17q11.2.
Variant type: single nucleotide variant.
Coding change: c.3975-1G>T on transcript NM_001042492.3 (MANE Select); the canonical splice acceptor site of the intron before coding-DNA position 3975, G replaced by T.
Molecular consequence: splice acceptor variant.
Genome position (GRCh38, 1-based): chr17:31,248,983, G>T. VCF-style: chr17-31248983-G-T. GRCh37 (hg19) VCF-style: chr17-29576001-G-T.
Other names: c.3975-1G>T (NM_000267.4).
Identifiers: ClinVar variation 404590 (VCV000404590.5), dbSNP rs1060500370, ClinGen allele CA16615200.

ClinVar aggregate classification (germline): Pathogenic (1 of 4 stars; one submission).

Conditions:
Neurofibromatosis, type 1 (NF1). Also called: Neurofibromatosis, type I; NEUROFIBROMATOSIS, TYPE I, SOMATIC; Peripheral type neurofibromatosis; VON RECKLINGHAUSEN DISEASE. Identifiers: Orphanet 636, MedGen C0027831, MONDO:0018975, OMIM 162200. Disease mechanism: loss of function.

Submission:

Labcorp Genetics (formerly Invitae), Labcorp
Classification: Pathogenic for Neurofibromatosis, type 1. Last evaluated: 2022-03-08. Review status: criteria provided, single submitter. Criteria: Invitae Variant Classification Sherloc (09022015). Collection method: clinical testing. Allele origin: germline.
Comment: For these reasons, this variant has been classified as Pathogenic. Algorithms developed to predict the effect of sequence changes on RNA splicing suggest that this variant may disrupt the consensus splice site. ClinVar contains an entry for this variant (Variation ID: 404590). Disruption of this splice site has been observed in individuals with neurofibromatosis type 1 (PMID: 10712197, 16786508, 18546366, 25074460; Invitae). This variant is not present in population databases (gnomAD no frequency). This sequence change affects an acceptor splice site in intron 29 of the NF1 gene. It is expected to disrupt RNA splicing. Variants that disrupt the donor or acceptor splice site typically lead to a loss of protein function (PMID: 16199547), and loss-of-function variants in NF1 are known to be pathogenic (PMID: 10712197, 23913538).

Literature cited by the submitters: PubMed 10712197; PubMed 16786508; PubMed 18546366; PubMed 25074460; PubMed 16199547; PubMed 23913538.